The following is an entry in ClinVar:

NM_033310.3(KCNK4):c.708G>A (p.Trp236Ter)

Genes: KCNK4 (potassium two pore domain channel subfamily K member 4; plus strand), KCNK4-CATSPERZ (KCNK4-CATSPERZ readthrough (NMD candidate); plus strand). Cytogenetic location: 11q13.1.
Variant type: single nucleotide variant.
Coding change: c.708G>A on transcript NM_033310.3 (MANE Select); coding-DNA position 708, G replaced by A.
Protein change: p.Trp236Ter; replaces tryptophan 236 with a stop codon.
Molecular consequence: nonsense. On other transcripts: non-coding transcript variant (3).
Genome position (GRCh38, 1-based): chr11:64,298,156, G>A. VCF-style: chr11-64298156-G-A. GRCh37 (hg19) VCF-style: chr11-64065628-G-A.
Other names: c.708G>A, p.Trp236Ter (NM_001317090.2); short protein forms W236*.
Identifiers: ClinVar variation 5036977 (VCV005036977.1).

ClinVar aggregate classification (germline): Uncertain significance (1 of 4 stars; one submission).

Submission:

GeneDx
Classification: Uncertain significance. Last evaluated: 2026-04-07. Review status: criteria provided, single submitter. Criteria: GeneDx Variant Classification Process June 2021. Collection method: clinical testing. Allele origin: germline.
Comment: Not observed at significant frequency in large population cohorts (gnomAD); Nonsense variant predicted to result in protein truncation or nonsense mediated decay in a gene or region of a gene for which loss of function is not an established mechanism of disease; Has not been previously published as pathogenic or benign to our knowledge